The following is an entry in ClinVar:

NM_015443.4(KANSL1):c.1653-177A>G

Gene: KANSL1 (KAT8 regulatory NSL complex subunit 1). Cytogenetic location: 17q21.31.
Variant type: single nucleotide variant.
Coding change: c.1653-177A>G on transcript NM_015443.4 (MANE Select); 177 bases into the intron before coding-DNA position 1653, A replaced by G.
Molecular consequence: intron variant.
Genome position (GRCh38, 1-based): chr17:46,066,909, T>C on the plus strand (A>G on the coding strand, the complement: KANSL1 is on the minus strand). VCF-style: chr17-46066909-T-C. GRCh37 (hg19) VCF-style: chr17-44144275-T-C.
Other names: c.1653-177A>G (NM_001193465.2, NM_001379198.1, NM_001193466.2).
Identifiers: ClinVar variation 670426 (VCV000670426.1), dbSNP rs111288789, ClinGen allele CA291125948.

ClinVar aggregate classification (germline): Likely benign (1 of 4 stars; one submission).

Allele frequency attached by ClinVar (database versions not stated): 1000 Genomes Project 30x 0.00281; 1000 Genomes Project 0.00300; gnomAD 0.00787 and 0.00805; TOPMed 0.00809.
gnomAD v4.1: 1,185 of 152,366 alleles (0.78%); highest among the groups gnomAD compares: Non-Finnish European, 1.5%; 9 homozygotes.

Submission:

GeneDx
Classification: Likely benign. Last evaluated: 2018-06-16. Review status: criteria provided, single submitter. Criteria: GeneDx Variant Classification (06012015). Collection method: clinical testing. Allele origin: germline. Affected: yes.
Comment: This variant is considered likely benign or benign based on one or more of the following criteria: it is a conservative change, it occurs at a poorly conserved position in the protein, it is predicted to be benign by multiple in silico algorithms, and/or has population frequency not consistent with disease.